The following is an entry in ClinVar:

ClinVar aggregate classification (germline): Uncertain significance. Review status: criteria provided, multiple submitters, no conflicts (2 of 4 stars). 9 submissions from 9 submitters: Uncertain significance (9). Last evaluated 2025-10-07.

Conditions:
Congenital myopathy with fiber type disproportion. Also called: Congenital fiber-type disproportion myopathy; Congenital fiber-type disproportion. Identifiers: Orphanet 2020, MedGen C0546264, MONDO:0009711. Inheritance: all.
Central core myopathy (CMYO1A). Also called: CONGENITAL MYOPATHY 1A, AUTOSOMAL DOMINANT, WITH SUSCEPTIBILITY TO MALIGNANT HYPERTHERMIA; Central core disease; Myopathy, central fibrillar. Identifiers: Orphanet 597, MedGen C5830701, MONDO:0007294, OMIM 117000.
Congenital multicore myopathy with external ophthalmoplegia (CMYO1B). Also called: Minicore myopathy with external ophthalmoplegia; MULTIMINICORE DISEASE WITH EXTERNAL OPHTHALMOPLEGIA; Congenital myopathy 1B, autosomal recessive; Minicore myopathy; MULTICORE MYOPATHY. Identifiers: Orphanet 598, Orphanet 98905, MedGen C1850674, MONDO:0009712, OMIM 255320, HP:0003789.
King Denborough syndrome (KDS). Identifiers: MedGen C1840365, MONDO:0020485, OMIM 619542.
Malignant hyperthermia, susceptibility to, 1 (MHS1). Also called: Anesthesia related hyperthermia; Malignant hyperpyrexia; Fulminating hyperpyrexia; Pharmacogenic myopathy; Malignant hyperthermia suceptibility 1; RYR1-Related Malignant Hyperthermia Susceptibility. Identifiers: Orphanet 423, MedGen C2930980, MONDO:0007783, OMIM 145600.
RYR1-related myopathy. Identifiers: Orphanet 98742, MedGen CN305348, MONDO:0100150.
RYR1-related disorder. Also called: RYR1-related condition; RYR1-related disorders. Identifiers: MedGen CN239331.

Allele frequency attached by ClinVar (database versions not stated): gnomAD 0.00001; TOPMed 0.00005; ESP Exome Variant Server 0.00008.
gnomAD v4.1: 66 of 1,605,192 alleles (0.0041%); highest among the groups gnomAD compares: Non-Finnish European, 0.0053%; no homozygotes.

Submissions (9):

Labcorp Genetics (formerly Invitae), Labcorp
Classification: Uncertain significance for RYR1-related disorder. Last evaluated: 2025-10-07. Review status: criteria provided, single submitter. Criteria: Invitae Variant Classification Sherloc (09022015). Collection method: clinical testing. Allele origin: germline.
Comment: This sequence change replaces proline, which is neutral and non-polar, with leucine, which is neutral and non-polar, at codon 4495 of the RYR1 protein (p.Pro4495Leu). This variant is present in population databases (rs138929547, gnomAD 0.006%). This missense change has been observed in individual(s) with statin-induced myopathy (PMID: 30325262, 32236737). ClinVar contains an entry for this variant (Variation ID: 590432). Invitae Evidence Modeling of protein sequence and biophysical properties (such as structural, functional, and spatial information, amino acid conservation, physicochemical variation, residue mobility, and thermodynamic stability) has been performed for this missense variant. However, the output from this modeling did not meet the statistical confidence thresholds required to predict the impact of this variant on RYR1 protein function. In summary, the available evidence is currently insufficient to determine the role of this variant in disease. Therefore, it has been classified as a Variant of Uncertain Significance.

All of Us Research Program, National Institutes of Health
Classification: Uncertain significance for Malignant hyperthermia, susceptibility to, 1. Last evaluated: 2024-05-14. Review status: criteria provided, single submitter. Criteria: ACMG Guidelines, 2015. Collection method: clinical testing. Allele origin: germline. Inheritance: Autosomal dominant inheritance. Observed: 11 variant alleles, 11 heterozygotes.
Comment: This missense variant replaces proline with leucine at codon 4495 of the RYR1 protein. Computational prediction suggests that this variant may not impact protein structure and function (internally defined REVEL score threshold <= 0.5, PMID: 27666373). To our knowledge, functional studies have not been reported for this variant. This variant has not been reported in individuals affected with malignant hyperthermia susceptibility, although it has been reported in an individual affected with statin-associated muscle symptoms (PMID: 30325262). This variant has been identified in 6/232162 chromosomes in the general population by the Genome Aggregation Database (gnomAD). The available evidence is insufficient to determine the role of this variant in disease conclusively. Therefore, this variant is classified as a Variant of Uncertain Significance.

This study involves interpretation of variants in research participants for the purpose of population health screening. Participant phenotype was not available at the time of variant classification. Additional details can be found in publication PMID: 35346344, PMCID: PMC8962531

Color Diagnostics, LLC DBA Color Health
Classification: Uncertain significance for Malignant hyperthermia, susceptibility to, 1. Last evaluated: 2024-04-18. Review status: criteria provided, single submitter. Criteria: ACMG Guidelines, 2015. Collection method: clinical testing. Allele origin: germline.
Comment: This missense variant replaces proline with leucine at codon 4495 of the RYR1 protein. Computational prediction suggests that this variant may not impact protein structure and function. To our knowledge, functional studies have not been reported for this variant. This variant has not been reported in individuals affected with malignant hyperthermia susceptibility, although it has been reported in an individual affected with statin-associated muscle symptoms (PMID: 30325262). This variant has been identified in 6/232162 chromosomes in the general population by the Genome Aggregation Database (gnomAD). The available evidence is insufficient to determine the role of this variant in disease conclusively. Therefore, this variant is classified as a Variant of Uncertain Significance.

Blueprint Genetics
Classification: Uncertain significance. Last evaluated: 2024-01-10. Review status: criteria provided, single submitter. Criteria: ACMG Guidelines, 2015. Collection method: clinical testing. Allele origin: germline.

Molecular Genetics, Royal Melbourne Hospital
Classification: Uncertain significance for RYR1-related myopathy. Last evaluated: 2023-03-30. Review status: criteria provided, single submitter. Criteria: ACMG Guidelines, 2015. Collection method: clinical testing. Allele origin: germline.
Comment: This sequence change in RYR1 is predicted to replace proline with leucine at codon 4495, p.(Pro4495Leu). The proline residue is located in an unconserved region (100 vertebrates, UCSC) in exon 92. There is a moderate physicochemical difference between proline and leucine. The highest population minor allele frequency in gnomAD v2.1 is 0.006% (6/104,276 alleles) in the European (non-Finnish) population. This variant has been reported in at least one individual with severe statin-associated muscle symptoms (PMID: 30325262, 31851124 ). Multiple lines of computational evidence have conflicting predictions for the missense substitution (3/5 algorithms predict deleterious). Based on the classification scheme RMH Modified ACMG Guidelines v1.5.1, this variant is classified as a VARIANT OF UNCERTAIN SIGNIFICANCE. Following criteria are met: none.

GeneDx
Classification: Uncertain significance. Last evaluated: 2022-11-28. Review status: criteria provided, single submitter. Criteria: GeneDx Variant Classification Process June 2021. Collection method: clinical testing. Allele origin: germline. Affected: yes.
Comment: Classified as likely benign and detected by whole exome sequencing in a patient with severe statin-associated muscle symptom (Isackson et al., 2018); In silico analysis supports that this missense variant does not alter protein structure/function; Not observed at significant frequency in large population cohorts (gnomAD); This variant is associated with the following publications: (PMID: 30325262, 31851124)

Fulgent Genetics
Classification: Uncertain significance for Central core myopathy; Malignant hyperthermia, susceptibility to, 1; Congenital myopathy 4A, autosomal dominant; Congenital multicore myopathy with external ophthalmoplegia; King Denborough syndrome. Last evaluated: 2021-11-04. Review status: criteria provided, single submitter. Criteria: ACMG Guidelines, 2015. Collection method: clinical testing. Allele origin: unknown.

Revvity Omics, Revvity
Classification: Uncertain significance. Last evaluated: 2021-09-15. Review status: criteria provided, single submitter. Criteria: ACMG Guidelines, 2015. Collection method: clinical testing. Allele origin: germline.

PreventionGenetics, part of Exact Sciences
Classification: Uncertain significance. Last evaluated: 2015-09-22. Review status: criteria provided, single submitter. Criteria: ACMG Guidelines, 2015. Collection method: clinical testing. Allele origin: germline.

Literature cited by the submitters: PubMed 30325262 (cited by 4 submitters); PubMed 32236737 (cited by Labcorp Genetics (formerly Invitae), Labcorp); PubMed 31851124 (cited by Molecular Genetics, Royal Melbourne Hospital).

NM_000540.3(RYR1):c.13484C>T (p.Pro4495Leu)

Gene: RYR1 (ryanodine receptor 1; plus strand). Cytogenetic location: 19q13.2.
Variant type: single nucleotide variant.
Coding change: c.13484C>T on transcript NM_000540.3 (MANE Select); coding-DNA position 13484, C replaced by T.
Protein change: p.Pro4495Leu; replaces proline 4495 with leucine.
Molecular consequence: missense variant.
Genome position (GRCh38, 1-based): chr19:38,566,957, C>T. VCF-style: chr19-38566957-C-T. GRCh37 (hg19) VCF-style: chr19-39057597-C-T.
Other names: c.13469C>T, p.Pro4490Leu (NM_001042723.2); short protein forms P4495L, P4490L.
Identifiers: ClinVar variation 590432 (VCV000590432.28), dbSNP rs138929547, ClinGen allele CA059934.
Genomic context (GRCh38, chr19:38,566,957, plus strand): 5'-TGCCCTGTCCCTAGGTGGATGGAGTGGAGGAGGAGCTCCCGCCAGAGCCAGAGCCCGAGC[C>T]GGAACCAGAGCTGGAGCCGGAGAAAGCCGAGTGAGTGGCCTTGGGGCTGAGGGGCCTAGC-3'
Protein context (NP_000531.2, residues 4485-4505): EELPPEPEPE[Pro4495Leu]EPELEPEKAD